The following is an entry in ClinVar:

NM_015057.5(MYCBP2):c.6114+9C>A

Gene: MYCBP2 (MYC binding protein 2; minus strand). Cytogenetic location: 13q22.3.
Variant type: single nucleotide variant.
Coding change: c.6114+9C>A on transcript NM_015057.5 (MANE Select); 9 bases into the intron after coding-DNA position 6114, C replaced by A.
Molecular consequence: intron variant.
Genome position (GRCh38, 1-based): chr13:77,168,419, G>T on the plus strand (C>A on the coding strand, the complement: MYCBP2 is on the minus strand). VCF-style: chr13-77168419-G-T. GRCh37 (hg19) VCF-style: chr13-77742554-G-T.
Identifiers: ClinVar variation 4993383 (VCV004993383.1).

ClinVar aggregate classification (germline): Likely benign (1 of 4 stars; one submission).

Conditions:
MYCBP2-related disorder. Also called: MYCBP2-related condition.

gnomAD v4.1: 3 of 1,611,288 alleles (0.00019%); highest among the groups gnomAD compares: African/African-American, 0.004%; no homozygotes.

Submission:

PreventionGenetics, part of Exact Sciences
Classification: Likely benign for MYCBP2-related condition. Last evaluated: 2026-09-17. Review status: criteria provided, single submitter. Criteria: ACMG Guidelines, 2015. Collection method: clinical testing. Allele origin: germline.
Comment: This variant is classified as likely benign based on ACMG/AMP sequence variant interpretation guidelines (Richards et al. 2015 PMID: 25741868, with internal and published modifications).